The following is an entry in ClinVar:

NM_001204.7(BMPR2):c.1579A>T (p.Asn527Tyr)

Gene: BMPR2 (bone morphogenetic protein receptor type 2; plus strand). Cytogenetic location: 2q33.2.
Variant type: single nucleotide variant.
Coding change: c.1579A>T on transcript NM_001204.7 (MANE Select); coding-DNA position 1579, A replaced by T.
Protein change: p.Asn527Tyr; replaces asparagine 527 with tyrosine.
Molecular consequence: missense variant.
Genome position (GRCh38, 1-based): chr2:202,552,881, A>T. VCF-style: chr2-202552881-A-T. GRCh37 (hg19) VCF-style: chr2-203417604-A-T.
Other names: short protein forms N527Y.
Identifiers: ClinVar variation 3992150 (VCV003992150.1).

ClinVar aggregate classification (germline): Uncertain significance (1 of 4 stars; one submission).

Conditions:
Inborn genetic diseases. Identifiers: MedGen C0950123, MeSH D030342.

Submission:

Ambry Genetics
Classification: Uncertain significance for Inborn genetic diseases. Last evaluated: 2025-05-03. Review status: criteria provided, single submitter. Criteria: Ambry Variant Classification Scheme 2023. Collection method: clinical testing. Allele origin: germline.
Comment: The p.N527Y variant (also known as c.1579A>T), located in coding exon 11 of the BMPR2 gene, results from an A to T substitution at nucleotide position 1579. The asparagine at codon 527 is replaced by tyrosine, an amino acid with dissimilar properties. This amino acid position is conserved. In addition, this alteration is predicted to be deleterious by in silico analysis. Based on the available evidence, the clinical significance of this variant remains unclear.